The following is an entry in ClinVar:

NM_000465.4(BARD1):c.1678-12T>G

Gene: BARD1 (BRCA1 associated RING domain 1; minus strand). Cytogenetic location: 2q35.
Variant type: single nucleotide variant.
Coding change: c.1678-12T>G on transcript NM_000465.4 (MANE Select); 12 bases into the intron before coding-DNA position 1678, T replaced by G.
Molecular consequence: intron variant.
Genome position (GRCh38, 1-based): chr2:214,745,866, A>C on the plus strand (T>G on the coding strand, the complement: BARD1 is on the minus strand). VCF-style: chr2-214745866-A-C. GRCh37 (hg19) VCF-style: chr2-215610590-A-C.
Other names: c.1678-12T>G (LRG_297t1); c.268-12T>G (NM_001282548.2); c.1621-12T>G (NM_001282543.2); c.325-12T>G (NM_001282545.2); c.365-15358T>G (NM_001282549.2).
Identifiers: ClinVar variation 512269 (VCV000512269.5), dbSNP rs1553615187, ClinGen allele CA658796165.

ClinVar aggregate classification (germline): Likely benign. Review status: criteria provided, multiple submitters, no conflicts (2 of 4 stars). 2 submissions from 2 submitters: Likely benign (2). Last evaluated 2024-05-31.

Conditions:
Familial cancer of breast. Also called: BREAST CANCER, FAMILIAL; hereditary breast carcinoma; Hereditary breast cancer. Identifiers: Orphanet 227535, MedGen C0346153, MONDO:0016419, OMIM 114480. Disease mechanism: loss of function.

gnomAD v4.1: 1 of 1,613,876 alleles (0.000062%); highest among the groups gnomAD compares: Non-Finnish European, 0.000085%; no homozygotes.

Submissions (2):

Labcorp Genetics (formerly Invitae), Labcorp
Classification: Likely benign for Familial cancer of breast. Last evaluated: 2024-05-31. Review status: criteria provided, single submitter. Criteria: Invitae Variant Classification Sherloc (09022015). Collection method: clinical testing. Allele origin: germline.

GeneDx
Classification: Likely benign. Last evaluated: 2017-09-19. Review status: criteria provided, single submitter. Criteria: GeneDx Variant Classification (06012015). Collection method: clinical testing. Allele origin: germline. Affected: yes.
Comment: This variant is considered likely benign or benign based on one or more of the following criteria: it is a conservative change, it occurs at a poorly conserved position in the protein, it is predicted to be benign by multiple in silico algorithms, and/or has population frequency not consistent with disease.